The following is an entry in ClinVar:

ClinVar aggregate classification (germline): Benign/Likely benign. Review status: criteria provided, multiple submitters, no conflicts (2 of 4 stars). 5 submissions from 5 submitters: Benign (4); Likely benign (1). Last evaluated 2024-11-26.

Conditions:
Amelogenesis imperfecta (AI). Also called: Congenital enamel hypoplasia. Identifiers: Orphanet 88661, MedGen C0002452, MONDO:0019507, HP:0000705.

Allele frequency attached by ClinVar (database versions not stated): gnomAD exomes 0.07988; ExAC 0.08483; gnomAD 0.16311 and 0.17081; ESP Exome Variant Server 0.17899; TOPMed 0.17902; 1000 Genomes Project 0.18171; 1000 Genomes Project 30x 0.18738.
gnomAD v4.1: 103,244 of 1,613,738 alleles (6.4%); highest among the groups gnomAD compares: African/African-American, 46%; 9,962 homozygotes.

Submissions (5):

Blueprint Genetics
Classification: Likely benign. Last evaluated: 2024-11-26. Review status: criteria provided, single submitter. Criteria: ACMG Guidelines, 2015. Collection method: clinical testing. Allele origin: germline.

GeneDx
Classification: Benign. Last evaluated: 2018-11-11. Review status: criteria provided, single submitter. Criteria: GeneDx Variant Classification Process June 2021. Collection method: clinical testing. Allele origin: germline. Affected: yes.

Illumina Laboratory Services, Illumina
Classification: Benign for Amelogenesis imperfecta. Last evaluated: 2018-01-13. Review status: criteria provided, single submitter. Criteria: ICSL Variant Classification Criteria 13 December 2019. Collection method: clinical testing. Allele origin: germline.
Comment: This variant was observed in the ICSL laboratory as part of a predisposition screen in an ostensibly healthy population. It had not been previously curated by ICSL or reported in the Human Gene Mutation Database (HGMD: prior to June 1st, 2018), and was therefore a candidate for classification through an automated scoring system. Utilizing variant allele frequency, disease prevalence and penetrance estimates, and inheritance mode, an automated score was calculated to assess if this variant is too frequent to cause the disease. Based on the score and internal cut-off values, a variant classified as benign is not then subjected to further curation. The score for this variant resulted in a classification of benign for this disease.

Breakthrough Genomics
Classification: Benign. Review status: criteria provided, single submitter. Criteria: ACMG Guidelines, 2015. Collection method: not provided. Allele origin: germline. Inheritance: Autosomal recessive inheritance. Affected: yes.

PreventionGenetics, part of Exact Sciences
Classification: Benign. Review status: criteria provided, single submitter. Criteria: ACMG Guidelines, 2015. Collection method: clinical testing. Allele origin: germline.

NM_031889.3(ENAM):c.1943T>C (p.Ile648Thr)

Gene: ENAM (enamelin; plus strand). Cytogenetic location: 4q13.3.
Variant type: single nucleotide variant.
Coding change: c.1943T>C on transcript NM_031889.3 (MANE Select); coding-DNA position 1943, T replaced by C.
Protein change: p.Ile648Thr; replaces isoleucine 648 with threonine.
Molecular consequence: missense variant.
Genome position (GRCh38, 1-based): chr4:70,643,369, T>C. VCF-style: chr4-70643369-T-C. GRCh37 (hg19) VCF-style: chr4-71509086-T-C.
Other names: c.1289T>C, p.Ile430Thr (NM_001368133.1); short protein forms I648T, I430T.
Identifiers: ClinVar variation 261984 (VCV000261984.10), dbSNP rs7671281, ClinGen allele CA2952194.